The following is an entry in ClinVar:

ClinVar aggregate classification (germline): Uncertain significance (1 of 4 stars; one submission).

Conditions:
Inborn genetic diseases. Identifiers: MedGen C0950123, MeSH D030342.

Submission:

Ambry Genetics
Classification: Uncertain significance for Inborn genetic diseases. Last evaluated: 2025-02-09. Review status: criteria provided, single submitter. Criteria: Ambry Variant Classification Scheme 2023. Collection method: clinical testing. Allele origin: germline.
Comment: The p.L174H variant (also known as c.521T>A), located in coding exon 4 of the SBDS gene, results from a T to A substitution at nucleotide position 521. The leucine at codon 174 is replaced by histidine, an amino acid with similar properties. This amino acid position is conserved. In addition, this alteration is predicted to be deleterious by in silico analysis. Based on the available evidence, the clinical significance of this variant remains unclear.

NM_016038.4(SBDS):c.521T>A (p.Leu174His)

Gene: SBDS (SBDS ribosome maturation factor; minus strand). Cytogenetic location: 7q11.21.
Variant type: single nucleotide variant.
Coding change: c.521T>A on transcript NM_016038.4 (MANE Select); coding-DNA position 521, T replaced by A.
Protein change: p.Leu174His; replaces leucine 174 with histidine.
Molecular consequence: missense variant.
Genome position (GRCh38, 1-based): chr7:66,991,240, A>T on the plus strand (T>A on the coding strand, the complement: SBDS is on the minus strand). VCF-style: chr7-66991240-A-T. GRCh37 (hg19) VCF-style: chr7-66456227-A-T.
Other names: short protein forms L174H.
Identifiers: ClinVar variation 3792737 (VCV003792737.1).